The following is an entry in ClinVar:

NM_007074.4(CORO1A):c.533C>T (p.Thr178Met)

Gene: CORO1A (coronin 1A; plus strand). Cytogenetic location: 16p11.2.
Variant type: single nucleotide variant.
Coding change: c.533C>T on transcript NM_007074.4 (MANE Select); coding-DNA position 533, C replaced by T.
Protein change: p.Thr178Met; replaces threonine 178 with methionine.
Molecular consequence: missense variant.
Genome position (GRCh38, 1-based): chr16:30,187,120, C>T. VCF-style: chr16-30187120-C-T. GRCh37 (hg19) VCF-style: chr16-30198441-C-T.
Other names: c.533C>T, p.Thr178Met (NM_001193333.3); short protein forms T178M.
Identifiers: ClinVar variation 1418283 (VCV001418283.5), dbSNP rs551747429, ClinGen allele CA8003151.

ClinVar aggregate classification (germline): Uncertain significance (1 of 4 stars; one submission).

Conditions:
Severe combined immunodeficiency due to CORO1A deficiency. Also called: IMMUNODEFICIENCY 8 WITH LYMPHOPROLIFERATION; Immunodeficiency 8. Identifiers: Orphanet 228003, MedGen C3809383, MONDO:0014168, OMIM 615401.

Allele frequency attached by ClinVar (database versions not stated): gnomAD 0.00001 and 0.00002; gnomAD exomes 0.00001 and 0.00008; TOPMed 0.00004; ExAC 0.00006; 1000 Genomes Project 30x 0.00016; 1000 Genomes Project 0.00020.
gnomAD v4.1: 25 of 1,614,094 alleles (0.0015%); highest among the groups gnomAD compares: Admixed American, 0.027%; no homozygotes.

Submission:

Labcorp Genetics (formerly Invitae), Labcorp
Classification: Uncertain significance for Severe combined immunodeficiency due to CORO1A deficiency. Last evaluated: 2021-08-20. Review status: criteria provided, single submitter. Criteria: Invitae Variant Classification Sherloc (09022015). Collection method: clinical testing. Allele origin: germline.
Comment: This sequence change replaces threonine with methionine at codon 178 of the CORO1A protein (p.Thr178Met). The threonine residue is moderately conserved and there is a moderate physicochemical difference between threonine and methionine. This variant is present in population databases (rs551747429, ExAC 0.04%). This variant has not been reported in the literature in individuals affected with CORO1A-related conditions. Algorithms developed to predict the effect of missense changes on protein structure and function (SIFT, PolyPhen-2, Align-GVGD) all suggest that this variant is likely to be tolerated. In summary, the available evidence is currently insufficient to determine the role of this variant in disease. Therefore, it has been classified as a Variant of Uncertain Significance.